The following is an entry in ClinVar:

ClinVar aggregate classification (germline): Uncertain significance. Review status: criteria provided, multiple submitters, no conflicts (2 of 4 stars). 2 submissions from 2 submitters: Uncertain significance (2). Last evaluated 2024-01-20.

Conditions:
CHARGE syndrome (CHARGE). Also called: Hittner Hirsch Kreh syndrome; CHARGE ASSOCIATION--COLOBOMA, HEART ANOMALY, CHOANAL ATRESIA, RETARDATION, GENITAL AND EAR ANOMALIES; Coloboma, heart anomaly, choanal atresia, retardation, genital and ear anomalies; CHARGE association; Hall-Hittner syndrome. Identifiers: Orphanet 138, MedGen C0265354, MONDO:0008965.
Hypogonadotropic hypogonadism 5 with or without anosmia (KAL5). Also called: CHD7-Related GnRH Deficiency (Kallmann Syndrome 5); HYPOGONADOTROPIC HYPOGONADISM 5 WITH ANOSMIA; HYPOGONADOTROPHIC HYPOGONADISM 5 WITHOUT ANOSMIA. Identifiers: Orphanet 478, MedGen C3552553, MONDO:0012880, OMIM 612370. Disease mechanism: loss of function.

Allele frequency attached by ClinVar (database versions not stated): gnomAD exomes below 0.00001.
gnomAD v4.1: 2 of 1,612,638 alleles (0.00012%); highest among the groups gnomAD compares: East Asian, 0.0022%; no homozygotes.

Submissions (2):

Fulgent Genetics
Classification: Uncertain significance for CHD7-related CHARGE syndrome; Hypogonadotropic hypogonadism 5 with or without anosmia. Last evaluated: 2024-01-20. Review status: criteria provided, single submitter. Criteria: ACMG Guidelines, 2015. Collection method: clinical testing. Allele origin: germline.

GeneDx
Classification: Uncertain significance. Last evaluated: 2022-12-12. Review status: criteria provided, single submitter. Criteria: GeneDx Variant Classification Process June 2021. Collection method: clinical testing. Allele origin: germline. Affected: yes.
Comment: Not observed at significant frequency in large population cohorts (gnomAD); In silico analysis supports that this missense variant does not alter protein structure/function; Has not been previously published as pathogenic or benign to our knowledge

NM_017780.4(CHD7):c.2808G>A (p.Met936Ile)

Gene: CHD7 (chromodomain helicase DNA binding protein 7; plus strand). Cytogenetic location: 8q12.2.
Variant type: single nucleotide variant.
Coding change: c.2808G>A on transcript NM_017780.4 (MANE Select); coding-DNA position 2808, G replaced by A.
Protein change: p.Met936Ile; replaces methionine 936 with isoleucine.
Molecular consequence: missense variant. On other transcripts: intron variant (1).
Genome position (GRCh38, 1-based): chr8:60,821,900, G>A. VCF-style: chr8-60821900-G-A. GRCh37 (hg19) VCF-style: chr8-61734459-G-A.
Other names: c.1717-40329G>A (NM_001316690.1); short protein forms M936I.
Identifiers: ClinVar variation 2504873 (VCV002504873.2), dbSNP rs1202493308, ClinGen allele CA371307957.